The following is an entry in ClinVar:

NM_198253.3(TERT):c.1201G>T (p.Ala401Ser)

Gene: TERT (telomerase reverse transcriptase; minus strand). Cytogenetic location: 5p15.33.
Variant type: single nucleotide variant.
Coding change: c.1201G>T on transcript NM_198253.3 (MANE Select); coding-DNA position 1201, G replaced by T.
Protein change: p.Ala401Ser; replaces alanine 401 with serine.
Molecular consequence: missense variant. On other transcripts: non-coding transcript variant (2).
Genome position (GRCh38, 1-based): chr5:1,293,685, C>A on the plus strand (G>T on the coding strand, the complement: TERT is on the minus strand). VCF-style: chr5-1293685-C-A. GRCh37 (hg19) VCF-style: chr5-1293800-C-A.
Other names: c.1201G>T, p.Ala401Ser (NM_001193376.3); short protein forms A401S.
Identifiers: ClinVar variation 959822 (VCV000959822.12), dbSNP rs370887827, ClinGen allele CA112957819.

ClinVar aggregate classification (germline): Uncertain significance. Review status: criteria provided, multiple submitters, no conflicts (2 of 4 stars). 3 submissions from 3 submitters: Uncertain significance (3). Last evaluated 2024-02-23.

Conditions:
Dyskeratosis congenita, autosomal dominant 2. Identifiers: MedGen C3151443, MONDO:0013521, OMIM 613989.
Idiopathic Pulmonary Fibrosis. Also called: Idiopathic fibrosing alveolitis, chronic form; idiopathic fibrosing alveolitis. Identifiers: Orphanet 2032, MedGen C1800706, MeSH D054990, MONDO:0800504.
Dyskeratosis congenita. Identifiers: Orphanet 1775, MedGen C0265965, MONDO:0015780.
Pulmonary fibrosis and/or bone marrow failure, Telomere-related, 1. Also called: PULMONARY FIBROSIS AND/OR BONE MARROW FAILURE SYNDROME, TELOMERE-RELATED, 1. Identifiers: Orphanet 88, MedGen C3553617, MONDO:0013878, OMIM 614742.
Melanoma, cutaneous malignant, susceptibility to, 9. Also called: Cutaneous malignant melanoma 9. Identifiers: Orphanet 618, MedGen C3554574, MONDO:0014056, OMIM 615134.
Acute myeloid leukemia (AML). Also called: Acute myeloid leukemia, adult; AML adult; Acute non-lymphocytic leukemia; Acute granulocytic leukemia; Leukemia, acute myelogenous, somatic; Leukemia, acute myeloid, somatic. Identifiers: Orphanet 519, MedGen C0023467, MeSH D015470, MONDO:0018874, OMIM 601626, HP:0004808. Disease mechanism: Constitutively activated FLT3.

Allele frequency attached by ClinVar (database versions not stated): ESP Exome Variant Server 0.00008.

Submissions (3):

Fulgent Genetics
Classification: Uncertain significance for Acute myeloid leukemia; Dyskeratosis congenita, autosomal dominant 2; Pulmonary fibrosis and/or bone marrow failure, Telomere-related, 1; Melanoma, cutaneous malignant, susceptibility to, 9. Last evaluated: 2024-02-23. Review status: criteria provided, single submitter. Criteria: ACMG Guidelines, 2015. Collection method: clinical testing. Allele origin: germline.

Labcorp Genetics (formerly Invitae), Labcorp
Classification: Uncertain significance for Dyskeratosis congenita, autosomal dominant 2; Idiopathic Pulmonary Fibrosis. Last evaluated: 2023-12-09. Review status: criteria provided, single submitter. Criteria: Invitae Variant Classification Sherloc (09022015). Collection method: clinical testing. Allele origin: germline.
Comment: This sequence change replaces alanine, which is neutral and non-polar, with serine, which is neutral and polar, at codon 401 of the TERT protein (p.Ala401Ser). This variant is not present in population databases (gnomAD no frequency). This variant has not been reported in the literature in individuals affected with TERT-related conditions. ClinVar contains an entry for this variant (Variation ID: 959822). Advanced modeling of protein sequence and biophysical properties (such as structural, functional, and spatial information, amino acid conservation, physicochemical variation, residue mobility, and thermodynamic stability) performed at Invitae indicates that this missense variant is expected to disrupt TERT protein function with a positive predictive value of 80%. In summary, the available evidence is currently insufficient to determine the role of this variant in disease. Therefore, it has been classified as a Variant of Uncertain Significance.

Ambry Genetics
Classification: Uncertain significance for Dyskeratosis congenita. Last evaluated: 2023-05-18. Review status: criteria provided, single submitter. Criteria: Ambry Variant Classification Scheme 2023. Collection method: clinical testing. Allele origin: germline.
Comment: The p.A401S variant (also known as c.1201G>T), located in coding exon 2 of the TERT gene, results from a G to T substitution at nucleotide position 1201. The alanine at codon 401 is replaced by serine, an amino acid with similar properties. This amino acid position is conserved. In addition, the in silico prediction for this alteration is inconclusive. Since supporting evidence is limited at this time, the clinical significance of this alteration remains unclear.